The following is an entry in ClinVar:

NM_000059.4(BRCA2):c.2018A>T (p.Asn673Ile)

Gene: BRCA2 (BRCA2 DNA repair associated; plus strand). Cytogenetic location: 13q13.1.
Variant type: single nucleotide variant.
Coding change: c.2018A>T on transcript NM_000059.4 (MANE Select); coding-DNA position 2018, A replaced by T.
Protein change: p.Asn673Ile; replaces asparagine 673 with isoleucine.
Molecular consequence: missense variant. On other transcripts: non-coding transcript variant (1), intron variant (2).
Genome position (GRCh38, 1-based): chr13:32,336,373, A>T. VCF-style: chr13-32336373-A-T. GRCh37 (hg19) VCF-style: chr13-32910510-A-T.
Other names: c.2018A>T, p.Asn673Ile (NM_001406719.1, NM_001406720.1, NM_001432077.1); c.1909+2986A>T (NM_001406721.1); c.424+5343A>T (NM_001406722.1); short protein forms N673I.
Identifiers: ClinVar variation 4802282 (VCV004802282.1).

ClinVar aggregate classification (germline): Uncertain significance (1 of 4 stars; one submission).

Conditions:
Hereditary breast ovarian cancer syndrome. Also called: Hereditary breast and ovarian cancer syndrome (HBOC); Hereditary breast and ovarian cancer; Breast and ovarian cancer; Hereditary breast and/or ovarian cancer syndrome; BRCA1- and BRCA2-Associated Hereditary Breast and Ovarian Cancer; Hereditary breast and ovarian cancer syndrome. Identifiers: Orphanet 145, MedGen C0677776, MeSH D061325, MONDO:0003582. Disease mechanism: loss of function.

Submission:

Labcorp Genetics (formerly Invitae), Labcorp
Classification: Uncertain significance for Hereditary breast ovarian cancer syndrome. Last evaluated: 2025-08-24. Review status: criteria provided, single submitter. Criteria: Invitae Variant Classification Sherloc (09022015). Collection method: clinical testing. Allele origin: germline.
Comment: This sequence change replaces asparagine, which is neutral and polar, with isoleucine, which is neutral and non-polar, at codon 673 of the BRCA2 protein (p.Asn673Ile). This variant is not present in population databases (gnomAD no frequency). This variant has not been reported in the literature in individuals affected with BRCA2-related conditions. Invitae Evidence Modeling of protein sequence and biophysical properties (such as structural, functional, and spatial information, amino acid conservation, physicochemical variation, residue mobility, and thermodynamic stability) indicates that this missense variant is not expected to disrupt BRCA2 protein function with a negative predictive value of 95%. In summary, the available evidence is currently insufficient to determine the role of this variant in disease. Therefore, it has been classified as a Variant of Uncertain Significance.